The following is an entry in ClinVar:

ClinVar aggregate classification (germline): Pathogenic (1 of 4 stars; one submission).

Submission:

GeneDx
Classification: Pathogenic. Last evaluated: 2019-10-15. Review status: criteria provided, single submitter. Criteria: GeneDx Variant Classification Process June 2021. Collection method: clinical testing. Allele origin: germline. Affected: yes.
Comment: Frameshift variant predicted to result in protein truncation or nonsense mediated decay in a gene for which loss-of-function is a known mechanism of disease; Not observed in large population cohorts (Lek et al., 2016); Has not been previously published as pathogenic or benign to our knowledge

NM_001197104.2(KMT2A):c.1104_1114dup (p.Ala372fs)

Gene: KMT2A (lysine methyltransferase 2A; plus strand). Cytogenetic location: 11q23.3.
Variant type: Duplication.
Coding change: c.1104_1114dup on transcript NM_001197104.2 (MANE Select); coding-DNA positions 1104 to 1114, 11 bases duplicated (TGCAACCATTG).
Protein change: p.Ala372fs; shifts the reading frame from alanine 372.
Molecular consequence: frameshift variant.
Genome position (GRCh38, 1-based): chr11:118,472,263-118,472,273, TGCAACCATTG duplicated. VCF-style (leftmost placement, unchanged base first): chr11-118472262-A-ATGCAACCATTG. GRCh37 (hg19) VCF-style: chr11-118342977-A-ATGCAACCATTG.
Other names: c.1104_1114dup, p.Ala372fs (NM_005933.4); short protein forms A372fs.
Identifiers: ClinVar variation 1191371 (VCV001191371.2), dbSNP rs2134260133, ClinGen allele CA2499220777.